The following is an entry in ClinVar:

NM_138576.4(BCL11B):c.1918G>A (p.Gly640Ser)

Gene: BCL11B (BCL11 transcription factor B; minus strand). Cytogenetic location: 14q32.2.
Variant type: single nucleotide variant.
Coding change: c.1918G>A on transcript NM_138576.4 (MANE Select); coding-DNA position 1918, G replaced by A.
Protein change: p.Gly640Ser; replaces glycine 640 with serine.
Molecular consequence: missense variant.
Genome position (GRCh38, 1-based): chr14:99,174,918, C>T on the plus strand (G>A on the coding strand, the complement: BCL11B is on the minus strand). VCF-style: chr14-99174918-C-T. GRCh37 (hg19) VCF-style: chr14-99641255-C-T.
Other names: c.1915G>A, p.Gly639Ser (NM_001282237.2); c.1702G>A, p.Gly568Ser (NM_001282238.2); c.1705G>A, p.Gly569Ser (NM_022898.3); c.1918G>A (NM_138576.3); short protein forms G568S, G569S, G639S, G640S.
Identifiers: ClinVar variation 2134780 (VCV002134780.5), dbSNP rs2503640972, ClinGen allele CA390934338.

ClinVar aggregate classification (germline): Uncertain significance. Review status: criteria provided, multiple submitters, no conflicts (2 of 4 stars). 2 submissions from 2 submitters: Uncertain significance (2). Last evaluated 2023-12-14.

Submissions (2):

GeneDx
Classification: Uncertain significance. Last evaluated: 2023-12-14. Review status: criteria provided, single submitter. Criteria: GeneDx Variant Classification Process June 2021. Collection method: clinical testing. Allele origin: germline. Affected: yes.
Comment: Not observed at significant frequency in large population cohorts (gnomAD); In silico analysis supports that this missense variant does not alter protein structure/function; Has not been previously published as pathogenic or benign to our knowledge

Labcorp Genetics (formerly Invitae), Labcorp
Classification: Uncertain significance. Last evaluated: 2022-05-06. Review status: criteria provided, single submitter. Criteria: Invitae Variant Classification Sherloc (09022015). Collection method: clinical testing. Allele origin: germline.
Comment: In summary, the available evidence is currently insufficient to determine the role of this variant in disease. Therefore, it has been classified as a Variant of Uncertain Significance. Algorithms developed to predict the effect of missense changes on protein structure and function (SIFT, PolyPhen-2, Align-GVGD) all suggest that this variant is likely to be tolerated. This variant has not been reported in the literature in individuals affected with BCL11B-related conditions. The frequency data for this variant in the population databases is considered unreliable, as metrics indicate insufficient coverage at this position in the gnomAD database. This sequence change replaces glycine, which is neutral and non-polar, with serine, which is neutral and polar, at codon 640 of the BCL11B protein (p.Gly640Ser).